The following is an entry in ClinVar:

ClinVar aggregate classification (germline): Uncertain significance. Review status: criteria provided, multiple submitters, no conflicts (2 of 4 stars). 2 submissions from 2 submitters: Uncertain significance (2). Last evaluated 2025-07-31.

Conditions:
Tumor predisposition syndrome 3 (TPDS3). Also called: Melanoma, cutaneous malignant, susceptibility to, 10; Glioma susceptibility 9; LONG TELOMERE SYNDROME, POT1-RELATED; POT1 Tumor Predisposition. Identifiers: Orphanet 618, MedGen C4014476, MONDO:0014368, OMIM 615848.
Hereditary cancer-predisposing syndrome. Also called: Neoplastic Syndromes, Hereditary; Hereditary Cancer Syndrome; Hereditary neoplastic syndrome; Tumor predisposition. Identifiers: Orphanet 140162, MedGen C0027672, MeSH D009386, MONDO:0015356.

Allele frequency attached by ClinVar (database versions not stated): gnomAD exomes below 0.00001; gnomAD 0.00001.
gnomAD v4.1: 5 of 1,613,852 alleles (0.00031%); highest among the groups gnomAD compares: Admixed American, 0.0033%; no homozygotes.

Submissions (2):

Labcorp Genetics (formerly Invitae), Labcorp
Classification: Uncertain significance for Tumor predisposition syndrome 3. Last evaluated: 2025-07-31. Review status: criteria provided, single submitter. Criteria: Invitae Variant Classification Sherloc (09022015). Collection method: clinical testing. Allele origin: germline.
Comment: This sequence change replaces alanine, which is neutral and non-polar, with threonine, which is neutral and polar, at codon 490 of the POT1 protein (p.Ala490Thr). This variant is not present in population databases (gnomAD no frequency). This variant has not been reported in the literature in individuals affected with POT1-related conditions. ClinVar contains an entry for this variant (Variation ID: 1045265). Invitae Evidence Modeling of protein sequence and biophysical properties (such as structural, functional, and spatial information, amino acid conservation, physicochemical variation, residue mobility, and thermodynamic stability) indicates that this missense variant is not expected to disrupt POT1 protein function with a negative predictive value of 80%. In summary, the available evidence is currently insufficient to determine the role of this variant in disease. Therefore, it has been classified as a Variant of Uncertain Significance.

Ambry Genetics
Classification: Uncertain significance for Hereditary cancer-predisposing syndrome. Last evaluated: 2024-05-25. Review status: criteria provided, single submitter. Criteria: Ambry Variant Classification Scheme 2023. Collection method: clinical testing. Allele origin: germline.
Comment: The p.A490T variant (also known as c.1468G>A), located in coding exon 11 of the POT1 gene, results from a G to A substitution at nucleotide position 1468. The alanine at codon 490 is replaced by threonine, an amino acid with similar properties. This amino acid position is conserved. In addition, this alteration is predicted to be tolerated by in silico analysis. Based on the available evidence, the clinical significance of this variant remains unclear.

NM_015450.3(POT1):c.1468G>A (p.Ala490Thr)

Gene: POT1 (protection of telomeres 1; minus strand). Cytogenetic location: 7q31.33.
Variant type: single nucleotide variant.
Coding change: c.1468G>A on transcript NM_015450.3 (MANE Select); coding-DNA position 1468, G replaced by A.
Protein change: p.Ala490Thr; replaces alanine 490 with threonine.
Molecular consequence: missense variant. On other transcripts: non-coding transcript variant (3).
Genome position (GRCh38, 1-based): chr7:124,835,316, C>T on the plus strand (G>A on the coding strand, the complement: POT1 is on the minus strand). VCF-style: chr7-124835316-C-T. GRCh37 (hg19) VCF-style: chr7-124475370-C-T.
Other names: c.1468G>A (NM_015450.2); c.1075G>A, p.Ala359Thr (NM_001042594.2); short protein forms A490T, A359T.
Identifiers: ClinVar variation 1045265 (VCV001045265.10), dbSNP rs1794871998, ClinGen allele CA369065537.